The following is an entry in ClinVar:

ClinVar aggregate classification (germline): Uncertain significance (1 of 4 stars; one submission).

Conditions:
Charcot-Marie-Tooth disease type 4. Also called: Charcot-Marie-Tooth disease, type IV; Charcot-Marie-Tooth, Type 4. Identifiers: Orphanet 64749, MedGen C4082197, MONDO:0018995.

Allele frequency attached by ClinVar (database versions not stated): gnomAD exomes below 0.00001.
gnomAD v4.1: 3 of 1,614,186 alleles (0.00019%); highest among the groups gnomAD compares: Non-Finnish European, 0.00025%; no homozygotes.

Submission:

Labcorp Genetics (formerly Invitae), Labcorp
Classification: Uncertain significance for Charcot-Marie-Tooth disease type 4. Last evaluated: 2024-09-08. Review status: criteria provided, single submitter. Criteria: Invitae Variant Classification Sherloc (09022015). Collection method: clinical testing. Allele origin: germline.
Comment: This sequence change replaces threonine, which is neutral and polar, with alanine, which is neutral and non-polar, at codon 519 of the SBF2 protein (p.Thr519Ala). This variant is not present in population databases (gnomAD no frequency). This variant has not been reported in the literature in individuals affected with SBF2-related conditions. ClinVar contains an entry for this variant (Variation ID: 1388031). Invitae Evidence Modeling of protein sequence and biophysical properties (such as structural, functional, and spatial information, amino acid conservation, physicochemical variation, residue mobility, and thermodynamic stability) indicates that this missense variant is not expected to disrupt SBF2 protein function with a negative predictive value of 80%. In summary, the available evidence is currently insufficient to determine the role of this variant in disease. Therefore, it has been classified as a Variant of Uncertain Significance.

NM_030962.4(SBF2):c.1555A>G (p.Thr519Ala)

Gene: SBF2 (SET binding factor 2; minus strand). Cytogenetic location: 11p15.4.
Variant type: single nucleotide variant.
Coding change: c.1555A>G on transcript NM_030962.4 (MANE Select); coding-DNA position 1555, A replaced by G.
Protein change: p.Thr519Ala; replaces threonine 519 with alanine.
Molecular consequence: missense variant.
Genome position (GRCh38, 1-based): chr11:9,968,386, T>C on the plus strand (A>G on the coding strand, the complement: SBF2 is on the minus strand). VCF-style: chr11-9968386-T-C. GRCh37 (hg19) VCF-style: chr11-9989933-T-C.
Other names: c.1555A>G, p.Thr519Ala (NM_001386339.1); c.1426A>G, p.Thr476Ala (NM_001386342.1); short protein forms T519A, T476A.
Identifiers: ClinVar variation 1388031 (VCV001388031.6), dbSNP rs2134387621, ClinGen allele CA379629666.